The following is an entry in ClinVar:

ClinVar aggregate classification (germline): Uncertain significance. Review status: criteria provided, multiple submitters, no conflicts (2 of 4 stars). 2 submissions from 2 submitters: Uncertain significance (2). Last evaluated 2019-01-15.

Conditions:
46,XY sex reversal 9 (SRXY9). Also called: 46,XY SEX REVERSAL, ZFPM2-RELATED. Identifiers: Orphanet 251510, MedGen C4015129, MONDO:0014480, OMIM 616067.

Allele frequency attached by ClinVar (database versions not stated): gnomAD exomes below 0.00001; gnomAD 0.00001; TOPMed 0.00002.
gnomAD v4.1: 83 of 1,613,420 alleles (0.0051%); highest among the groups gnomAD compares: Non-Finnish European, 0.0067%; no homozygotes.

Submissions (2):

Revvity Omics, Revvity
Classification: Uncertain significance. Last evaluated: 2019-01-15. Review status: criteria provided, single submitter. Criteria: ACMG Guidelines, 2015. Collection method: clinical testing. Allele origin: germline.

Labcorp Genetics (formerly Invitae), Labcorp
Classification: Uncertain significance for 46,XY sex reversal 9. Last evaluated: 2017-07-26. Review status: criteria provided, single submitter. Criteria: Invitae Variant Classification Sherloc (09022015). Collection method: clinical testing. Allele origin: germline.
Comment: This sequence change replaces valine with leucine at codon 122 of the ZFPM2 protein (p.Val122Leu). The valine residue is weakly conserved and there is a small physicochemical difference between valine and leucine. This variant is not present in population databases (ExAC no frequency). This variant has not been reported in the literature in individuals with ZFPM2-related disease. Algorithms developed to predict the effect of missense changes on protein structure and function (SIFT, PolyPhen-2, Align-GVGD) all suggest that this variant is likely to be tolerated, but these predictions have not been confirmed by published functional studies and their clinical significance is uncertain. In summary, the available evidence is currently insufficient to determine the role of this variant in disease. Therefore, it has been classified as a Variant of Uncertain Significance.

NM_012082.4(ZFPM2):c.364G>T (p.Val122Leu)

Gene: ZFPM2 (zinc finger protein, FOG family member 2; plus strand). Cytogenetic location: 8q23.1.
Variant type: single nucleotide variant.
Coding change: c.364G>T on transcript NM_012082.4 (MANE Select); coding-DNA position 364, G replaced by T.
Protein change: p.Val122Leu; replaces valine 122 with leucine.
Molecular consequence: missense variant. On other transcripts: 5 prime UTR variant (1).
Genome position (GRCh38, 1-based): chr8:105,561,425, G>T. VCF-style: chr8-105561425-G-T. GRCh37 (hg19) VCF-style: chr8-106573653-G-T.
Other names: c.205G>T, p.Val69Leu (NM_001362836.2); c.-33G>T (NM_001362837.2); short protein forms V122L, V69L.
Identifiers: ClinVar variation 477991 (VCV000477991.4), dbSNP rs772114579, ClinGen allele CA183193983.